The following is an entry in ClinVar:

ClinVar aggregate classification (germline): Conflicting classifications of pathogenicity. Review status: criteria provided, conflicting classifications (1 of 4 stars). 3 submissions from 1 submitter: Uncertain significance (1); Benign (2). Last evaluated 2018-01-13.

Conditions:
Channelopathy-associated congenital insensitivity to pain, autosomal recessive. Also called: Insensitivity to pain, channelopathy-associated; ASYMBOLIA FOR PAIN; CONGENITAL ANALGESIA, AUTOSOMAL RECESSIVE. Identifiers: Orphanet 88642, Orphanet 970, MedGen C1855739, MONDO:0009459, OMIM 243000.
Paroxysmal extreme pain disorder (PEXPD). Also called: PAIN, SUBMANDIBULAR, OCULAR, AND RECTAL, WITH FLUSHING; RECTAL PAIN, FAMILIAL; SCN9A Paroxysmal Extreme Pain Disorder (SCN9A-PEPD). Identifiers: Orphanet 46348, MedGen C1833661, MONDO:0008179, OMIM 167400.
Primary erythromelalgia. Also called: SCN9A Erythromelalgia (SCN9A-EM); primary erythermalgia. Identifiers: Orphanet 306577, Orphanet 90026, MedGen C0014805, MONDO:0007571, OMIM 133020.

Allele frequency attached by ClinVar (database versions not stated): 1000 Genomes Project 30x 0.00187; 1000 Genomes Project 0.00200; gnomAD 0.00291 and 0.00334; TOPMed 0.00349.

Submissions (3):

Illumina Laboratory Services, Illumina
Classification: Uncertain significance for Channelopathy-associated congenital insensitivity to pain, autosomal recessive. Last evaluated: 2018-01-13. Review status: criteria provided, single submitter. Criteria: ICSL Variant Classification Criteria 13 December 2019. Collection method: clinical testing. Allele origin: germline.

Illumina Laboratory Services, Illumina
Classification: Benign for Paroxysmal extreme pain disorder. Last evaluated: 2018-01-13. Review status: criteria provided, single submitter. Criteria: ICSL Variant Classification Criteria 13 December 2019. Collection method: clinical testing. Allele origin: germline.
Comment: This variant was observed in the ICSL laboratory as part of a predisposition screen in an ostensibly healthy population. It had not been previously curated by ICSL or reported in the Human Gene Mutation Database (HGMD: prior to June 1st, 2018), and was therefore a candidate for classification through an automated scoring system. Utilizing variant allele frequency, disease prevalence and penetrance estimates, and inheritance mode, an automated score was calculated to assess if this variant is too frequent to cause the disease. Based on the score and internal cut-off values, a variant classified as benign is not then subjected to further curation. The score for this variant resulted in a classification of benign for this disease.

Illumina Laboratory Services, Illumina
Classification: Benign for Primary erythromelalgia. Last evaluated: 2018-01-13. Review status: criteria provided, single submitter. Criteria: ICSL Variant Classification Criteria 13 December 2019. Collection method: clinical testing. Allele origin: germline.
Comment: the same text as in the submission from Illumina Laboratory Services, Illumina above.

NM_001365536.1(SCN9A):c.*3426A>T

Genes: SCN1A-AS1 (SCN1A and SCN9A antisense RNA 1; plus strand), SCN9A (sodium voltage-gated channel alpha subunit 9; minus strand). Cytogenetic location: 2q24.3.
Variant type: single nucleotide variant.
Coding change: c.*3426A>T on transcript NM_001365536.1 (MANE Select); 3426 bases downstream of the stop codon, A replaced by T.
Molecular consequence: 3 prime UTR variant.
Genome position (GRCh38, 1-based): chr2:166,195,246, T>A on the plus strand (A>T on the coding strand, the complement: SCN9A is on the minus strand). VCF-style: chr2-166195246-T-A. GRCh37 (hg19) VCF-style: chr2-167051756-T-A.
Other names: c.*3426A>T (NM_002977.4).
Identifiers: ClinVar variation 331895 (VCV000331895.6), dbSNP rs186838828, ClinGen allele CA10611582.